The following is an entry in ClinVar:

NM_144736.5(NDUFAF7):c.216+4T>G

Gene: NDUFAF7 (NADH:ubiquinone oxidoreductase complex assembly factor 7; plus strand). Cytogenetic location: 2p22.2.
Variant type: single nucleotide variant.
Coding change: c.216+4T>G on transcript NM_144736.5 (MANE Select); 4 bases into the intron after coding-DNA position 216, T replaced by G.
Molecular consequence: intron variant.
Genome position (GRCh38, 1-based): chr2:37,232,270, T>G. VCF-style: chr2-37232270-T-G. GRCh37 (hg19) VCF-style: chr2-37459413-T-G.
Other names: c.216+4T>G (NM_001350024.2, NM_001350027.2, NM_001350025.2 and 1 more transcripts).
Identifiers: ClinVar variation 387076 (VCV000387076.1), dbSNP rs536224171, ClinGen allele CA16604476.
Genomic context (GRCh38, chr2:37,232,270, plus strand): 5'-ACTGGTCCCATCACTGTGGCCGAGTACATGAAGGAGGTGTTGACTAATCCAGCCAAGGTA[T>G]GGGTCGGGTAGCCCGAGGACTAGGCCCTCTCTAGCCGATTTGCGAGGTGCAAGCCAGGAG-3'

ClinVar aggregate classification (germline): Likely benign (1 of 4 stars; one submission).

gnomAD v4.1: 4 of 1,612,604 alleles (0.00025%); highest among the groups gnomAD compares: Non-Finnish European, 0.00034%; no homozygotes.

Submission:

GeneDx
Classification: Likely benign. Last evaluated: 2016-06-29. Review status: criteria provided, single submitter. Criteria: GeneDx Variant Classification (06012015). Collection method: clinical testing. Allele origin: germline. Affected: yes.
Comment: This variant is considered likely benign or benign based on one or more of the following criteria: it is a conservative change, it occurs at a poorly conserved position in the protein, it is predicted to be benign by multiple in silico algorithms, and/or has population frequency not consistent with disease.